The following is an entry in ClinVar:

ClinVar aggregate classification (germline): Uncertain significance. Review status: criteria provided, multiple submitters, no conflicts (2 of 4 stars). 4 submissions from 4 submitters: Uncertain significance (4). Last evaluated 2025-06-23.

Conditions:
RYR1-related disorder. Also called: RYR1-related disorders; RYR1-related condition. Identifiers: MedGen CN239331.
Inborn genetic diseases. Identifiers: MedGen C0950123, MeSH D030342.
Malignant hyperthermia, susceptibility to, 1 (MHS1). Also called: Malignant hyperthermia suceptibility 1; RYR1-Related Malignant Hyperthermia Susceptibility; Anesthesia related hyperthermia; Malignant hyperpyrexia; Fulminating hyperpyrexia; Pharmacogenic myopathy. Identifiers: Orphanet 423, MedGen C2930980, MONDO:0007783, OMIM 145600.

Allele frequency attached by ClinVar (database versions not stated): gnomAD exomes 0.00001 and 0.00002; gnomAD 0.00002; TOPMed 0.00002.
gnomAD v4.1: 21 of 1,550,022 alleles (0.0014%); highest among the groups gnomAD compares: Middle Eastern, 0.02%; no homozygotes.

Submissions (4):

Color Diagnostics, LLC DBA Color Health
Classification: Uncertain significance for Malignant hyperthermia, susceptibility to, 1. Last evaluated: 2025-06-23. Review status: criteria provided, single submitter. Criteria: ACMG Guidelines, 2015. Collection method: clinical testing. Allele origin: germline.
Comment: This missense variant replaces arginine with histidine at codon 3196 of the RYR1 protein. Computational prediction suggests that this variant may not impact protein structure and function. To our knowledge, functional studies have not been reported for this variant. This variant has not been reported in individuals affected with RYR1-related disorders in the literature. This variant has been identified in 3/154022 chromosomes in the general population by the Genome Aggregation Database (gnomAD). The available evidence is insufficient to determine the role of this variant in disease conclusively. Therefore, this variant is classified as a Variant of Uncertain Significance.

Ambry Genetics
Classification: Uncertain significance for Inborn genetic diseases. Last evaluated: 2024-07-27. Review status: criteria provided, single submitter. Criteria: Ambry Variant Classification Scheme 2023. Collection method: clinical testing. Allele origin: germline.

Labcorp Genetics (formerly Invitae), Labcorp
Classification: Uncertain significance for RYR1-related disorder. Last evaluated: 2021-09-01. Review status: criteria provided, single submitter. Criteria: Invitae Variant Classification Sherloc (09022015). Collection method: clinical testing. Allele origin: germline.
Comment: This sequence change replaces arginine with histidine at codon 3196 of the RYR1 protein (p.Arg3196His). The arginine residue is highly conserved and there is a small physicochemical difference between arginine and histidine. This variant is not present in population databases (ExAC no frequency). This variant has not been reported in the literature in individuals affected with RYR1-related conditions. ClinVar contains an entry for this variant (Variation ID: 425183). Advanced modeling of protein sequence and biophysical properties (such as structural, functional, and spatial information, amino acid conservation, physicochemical variation, residue mobility, and thermodynamic stability) performed at Invitae indicates that this missense variant is not expected to disrupt RYR1 protein function. In summary, the available evidence is currently insufficient to determine the role of this variant in disease. Therefore, it has been classified as a Variant of Uncertain Significance.

CeGaT Center for Human Genetics Tuebingen
Classification: Uncertain significance. Last evaluated: 2016-09-01. Review status: criteria provided, single submitter. Criteria: CeGaT Center For Human Genetics Tuebingen Variant Classification Criteria Version 2. Collection method: clinical testing. Allele origin: germline. Affected: yes. Observed: 1 variant allele.

NM_000540.3(RYR1):c.9587G>A (p.Arg3196His)

Gene: RYR1 (ryanodine receptor 1; plus strand). Cytogenetic location: 19q13.2.
Variant type: single nucleotide variant.
Coding change: c.9587G>A on transcript NM_000540.3 (MANE Select); coding-DNA position 9587, G replaced by A.
Protein change: p.Arg3196His; replaces arginine 3196 with histidine.
Molecular consequence: missense variant.
Genome position (GRCh38, 1-based): chr19:38,516,119, G>A. VCF-style: chr19-38516119-G-A. GRCh37 (hg19) VCF-style: chr19-39006759-G-A.
Other names: c.9587G>A, p.Arg3196His (NM_001042723.2); c.9587G>A (NM_000540.2); short protein forms R3196H.
Identifiers: ClinVar variation 425183 (VCV000425183.46), dbSNP rs1064797240, ClinGen allele CA16621736.
Genomic context (GRCh38, chr19:38,516,119, plus strand): 5'-GGCAGCTAAACACAGCCCCGTCTTCCAGGCTTCGGCCAGCCCTCGGGGAGTGCCTGGCCC[G>A]TCTGGCAGCAGCCATGCCGGTGGCGTTCCTGGAGCCGCAGCTGAACGAGTACAACGCCTG-3'
Protein context (NP_000531.2, residues 3186-3206): LRPALGECLA[Arg3196His]LAAAMPVAFL